The following is an entry in ClinVar:

NM_001374736.1(DST):c.4930-3498T>G

Gene: DST (dystonin; minus strand). Cytogenetic location: 6p12.1.
Variant type: single nucleotide variant.
Coding change: c.4930-3498T>G on transcript NM_001374736.1 (MANE Select); 3498 bases into the intron before coding-DNA position 4930, T replaced by G.
Molecular consequence: intron variant.
Genome position (GRCh38, 1-based): chr6:56,617,982, A>C on the plus strand (T>G on the coding strand, the complement: DST is on the minus strand). VCF-style: chr6-56617982-A-C. GRCh37 (hg19) VCF-style: chr6-56482780-A-C.
Other names: c.4831-3498T>G (NM_001144769.5); c.4930-3498T>G (NM_001374722.1); c.4957-3498T>G (NM_001374734.1); c.4417-3498T>G (NM_001144770.2); c.4297-3498T>G (NM_001374730.1, NM_001386100.1, NM_183380.4 and 1 more transcripts); c.3319-3498T>G (NM_015548.5); c.6048+4T>G (NM_001723.7).
Identifiers: ClinVar variation 1351624 (VCV001351624.6), dbSNP rs200391017, ClinGen allele CA3870253.

ClinVar aggregate classification (germline): Uncertain significance (1 of 4 stars; one submission).

Conditions:
Epidermolysis bullosa simplex 3, localized or generalized intermediate, with BP230 deficiency (EBS3). Also called: Epidermolysis bullosa simplex due to BP230 deficiency; Epidermolysis bullosa simplex, autosomal recessive 2. Identifiers: Orphanet 412181, MedGen C3809470, MONDO:0014180, OMIM 615425.
Hereditary sensory and autonomic neuropathy type 6. Also called: HSAN VI; Neuropathy, hereditary sensory and autonomic, type VI. Identifiers: Orphanet 314381, MedGen C3539003, MONDO:0013839, OMIM 614653.

Submission:

Labcorp Genetics (formerly Invitae), Labcorp
Classification: Uncertain significance for Epidermolysis bullosa simplex 3, localized or generalized intermediate, with BP230 deficiency; Hereditary sensory and autonomic neuropathy type 6. Last evaluated: 2020-11-14. Review status: criteria provided, single submitter. Criteria: Invitae Variant Classification Sherloc (09022015). Collection method: clinical testing. Allele origin: germline.
Comment: This sequence change falls in intron 23 of the DST gene. It does not directly change the encoded amino acid sequence of the DST protein. It affects a nucleotide within the consensus splice site of the intron. This variant is present in population databases (rs200391017, ExAC 0.001%). This variant has not been reported in the literature in individuals with DST-related conditions. Nucleotide substitutions within the consensus splice site are a relatively common cause of aberrant splicing (PMID: 17576681, 9536098). Algorithms developed to predict the effect of sequence changes on RNA splicing suggest that this variant may disrupt the consensus splice site, but this prediction has not been confirmed by published transcriptional studies. In summary, the available evidence is currently insufficient to determine the role of this variant in disease. Therefore, it has been classified as a Variant of Uncertain Significance.

Literature cited by the submitters: PubMed 17576681; PubMed 9536098.